The following is an entry in ClinVar:

ClinVar aggregate classification (germline): Conflicting classifications of pathogenicity. Review status: criteria provided, conflicting classifications (1 of 4 stars). 7 submissions from 7 submitters: Uncertain significance (3); Uncertain risk allele (1); Benign (1); Likely benign (2). Last evaluated 2026-01-23.

Conditions:
Diabetic retinopathy. Identifiers: MedGen C0011884, MONDO:0005266.
Familial thoracic aortic aneurysm and aortic dissection (TAAD). Also called: Thoracic aortic aneurysms and dissections. Identifiers: Orphanet 91387, MedGen C4707243, MONDO:0019625.

Allele frequency attached by ClinVar (database versions not stated): gnomAD 0.00001; gnomAD exomes 0.00005 and 0.00010; TOPMed 0.00005; ExAC 0.00010.
gnomAD v4.1: 31 of 1,614,040 alleles (0.0019%); highest among the groups gnomAD compares: Admixed American, 0.052%; no homozygotes.

Submissions (7):

Women's Health and Genetics/Laboratory Corporation of America, LabCorp
Classification: Likely benign. Last evaluated: 2026-01-23. Review status: criteria provided, single submitter. Criteria: LabCorp Variant Classification Summary - May 2015. Collection method: clinical testing. Allele origin: germline.

Labcorp Genetics (formerly Invitae), Labcorp
Classification: Benign for Familial thoracic aortic aneurysm and aortic dissection. Last evaluated: 2025-11-10. Review status: criteria provided, single submitter. Criteria: Invitae Variant Classification Sherloc (09022015). Collection method: clinical testing. Allele origin: germline.

Ambry Genetics
Classification: Uncertain significance for Familial thoracic aortic aneurysm and aortic dissection. Last evaluated: 2024-08-19. Review status: criteria provided, single submitter. Criteria: Ambry Variant Classification Scheme 2023. Collection method: clinical testing. Allele origin: germline.
Comment: The p.T39S variant (also known as c.115A>T), located in coding exon 2 of the TGFBR2 gene, results from an A to T substitution at nucleotide position 115. The threonine at codon 39 is replaced by serine, an amino acid with similar properties. This amino acid position is not well conserved in available vertebrate species, and serine is the reference amino acid in other vertebrate species. In addition, this alteration is predicted to be tolerated by in silico analysis. Since supporting evidence is limited at this time, the clinical significance of this alteration remains unclear.

GeneDx
Classification: Uncertain significance. Last evaluated: 2023-02-09. Review status: criteria provided, single submitter. Criteria: GeneDx Variant Classification Process June 2021. Collection method: clinical testing. Allele origin: germline. Affected: yes.
Comment: Has not been previously published as pathogenic or benign to our knowledge; In silico analysis supports that this missense variant does not alter protein structure/function

Color Diagnostics, LLC DBA Color Health
Classification: Likely benign for Familial thoracic aortic aneurysm and aortic dissection. Last evaluated: 2021-04-14. Review status: criteria provided, single submitter. Criteria: ACMG Guidelines, 2015. Collection method: clinical testing. Allele origin: germline.

Eurofins Ntd Llc (ga)
Classification: Uncertain significance. Last evaluated: 2016-11-30. Review status: criteria provided, single submitter. Criteria: EGL Classification Definitions 2015. Collection method: clinical testing. Allele origin: germline. Observed: 1 variant allele, 1 heterozygote.

Clinical Genomics, Uppaluri K&H Personalized Medicine Clinic
Classification: Uncertain risk allele for Diabetic retinopathy. Review status: criteria provided, single submitter. Criteria: K And H Uppaluri Personalized Medicine Clinic Variant Classification And Assertion Criteria Updated V 2. Collection method: research. Allele origin: unknown.
Comment: Potent mutations in TGFBR2 gene encodes the transforming growth factor that have been associated with angiogenesis and diabetic retinopathy. More clinical studies are needed for stronger association. However, more evidence is required to confer the association of this particular variant rs780280433 with diabetic retinopathy.

Literature cited by the submitters: PubMed 30222965 (cited by Clinical Genomics, Uppaluri K&H Personalized Medicine Clinic); PubMed 28162229 (cited by Clinical Genomics, Uppaluri K&H Personalized Medicine Clinic); PubMed 34572573 (cited by Clinical Genomics, Uppaluri K&H Personalized Medicine Clinic).

NM_003242.6(TGFBR2):c.115A>T (p.Thr39Ser)

Gene: TGFBR2 (transforming growth factor beta receptor 2; plus strand). Cytogenetic location: 3p24.1.
Variant type: single nucleotide variant.
Coding change: c.115A>T on transcript NM_003242.6 (MANE Select); coding-DNA position 115, A replaced by T.
Protein change: p.Thr39Ser; replaces threonine 39 with serine.
Molecular consequence: missense variant.
Genome position (GRCh38, 1-based): chr3:30,644,767, A>T. VCF-style: chr3-30644767-A-T. GRCh37 (hg19) VCF-style: chr3-30686259-A-T.
Other names: p.T39S:ACT>TCT; c.190A>T, p.Thr64Ser (NM_001024847.3, NM_001407126.1, NM_001407139.1); c.115A>T, p.Thr39Ser (NM_001407127.1, NM_001407130.1); c.142A>T, p.Thr48Ser (NM_001407128.1); c.10A>T, p.Thr4Ser (NM_001407129.1, NM_001407132.1, NM_001407133.1 and 3 more transcripts); short protein forms T39S, T64S, T4S, T48S.
Identifiers: ClinVar variation 213938 (VCV000213938.24), dbSNP rs780280433, ClinGen allele CA045832.